The following is an entry in ClinVar:

NM_001197104.2(KMT2A):c.1031A>G (p.Asp344Gly)

Gene: KMT2A (lysine methyltransferase 2A; plus strand). Cytogenetic location: 11q23.3.
Variant type: single nucleotide variant.
Coding change: c.1031A>G on transcript NM_001197104.2 (MANE Select); coding-DNA position 1031, A replaced by G.
Protein change: p.Asp344Gly; replaces aspartic acid 344 with glycine.
Molecular consequence: missense variant.
Genome position (GRCh38, 1-based): chr11:118,472,190, A>G. VCF-style: chr11-118472190-A-G. GRCh37 (hg19) VCF-style: chr11-118342905-A-G.
Other names: c.1031A>G, p.Asp344Gly (NM_005933.4); c.1031A>G (NM_001197104.1); short protein forms D344G.
Identifiers: ClinVar variation 1492333 (VCV001492333.10), dbSNP rs892601475, ClinGen allele CA229521132.

ClinVar aggregate classification (germline): Uncertain significance. Review status: criteria provided, multiple submitters, no conflicts (2 of 4 stars). 3 submissions from 3 submitters: Uncertain significance (3). Last evaluated 2024-11-29.

Conditions:
Inborn genetic diseases. Identifiers: MedGen C0950123, MeSH D030342.

Allele frequency attached by ClinVar (database versions not stated): gnomAD exomes below 0.00001.
gnomAD v4.1: 1 of 1,613,906 alleles (0.000062%); highest among the groups gnomAD compares: Admixed American, 0.0017%; no homozygotes.

Submissions (3):

Women's Health and Genetics/Laboratory Corporation of America, LabCorp
Classification: Uncertain significance. Last evaluated: 2024-11-29. Review status: criteria provided, single submitter. Criteria: LabCorp Variant Classification Summary - May 2015. Collection method: clinical testing. Allele origin: germline.
Comment: Variant summary: KMT2A c.1031A>G (p.Asp344Gly) results in a non-conservative amino acid change in the encoded protein sequence. Three of five in-silico tools predict a benign effect of the variant on protein function. The variant was absent in 250176 control chromosomes. The available data on variant occurrences in the general population are insufficient to allow any conclusion about variant significance. To our knowledge, no occurrence of c.1031A>G in individuals affected with Wiedemann-Steiner Syndrome and no experimental evidence demonstrating its impact on protein function have been reported. ClinVar contains an entry for this variant (Variation ID: 1492333). Based on the evidence outlined above, the variant was classified as uncertain significance.

Ambry Genetics
Classification: Uncertain significance for Inborn genetic diseases. Last evaluated: 2024-09-10. Review status: criteria provided, single submitter. Criteria: Ambry Variant Classification Scheme 2023. Collection method: clinical testing. Allele origin: germline.

Labcorp Genetics (formerly Invitae), Labcorp
Classification: Uncertain significance. Last evaluated: 2023-04-08. Review status: criteria provided, single submitter. Criteria: Invitae Variant Classification Sherloc (09022015). Collection method: clinical testing. Allele origin: germline.
Comment: This sequence change replaces aspartic acid, which is acidic and polar, with glycine, which is neutral and non-polar, at codon 344 of the KMT2A protein (p.Asp344Gly). In summary, the available evidence is currently insufficient to determine the role of this variant in disease. Therefore, it has been classified as a Variant of Uncertain Significance. Advanced modeling of protein sequence and biophysical properties (such as structural, functional, and spatial information, amino acid conservation, physicochemical variation, residue mobility, and thermodynamic stability) performed at Invitae indicates that this missense variant is not expected to disrupt KMT2A protein function. ClinVar contains an entry for this variant (Variation ID: 1492333). This variant has not been reported in the literature in individuals affected with KMT2A-related conditions. This variant is not present in population databases (gnomAD no frequency).